The following is an entry in ClinVar:

ClinVar aggregate classification (germline): Uncertain significance. Review status: criteria provided, single submitter (1 of 4 stars). 2 submissions from 2 submitters: Uncertain significance (1). 1 of the submissions does not count toward it. Last evaluated 2025-05-09.

Conditions:
Hemochromatosis type 4 (HFE4). Also called: Ferroportin disease; HEMOCHROMATOSIS DUE TO DEFECT IN FERROPORTIN; HEMOCHROMATOSIS, AUTOSOMAL DOMINANT. Identifiers: Orphanet 139491, Orphanet 647834, Orphanet 648562, MedGen C1853733, MONDO:0011631, OMIM 606069.

Allele frequency attached by ClinVar (database versions not stated): gnomAD exomes below 0.00001.
gnomAD v4.1: 1 of 1,613,824 alleles (0.000062%); highest among the groups gnomAD compares: Non-Finnish European, 0.000085%; no homozygotes.

Submissions (2):

GeneDx
Classification: Uncertain significance. Last evaluated: 2025-05-09. Review status: criteria provided, single submitter. Criteria: GeneDx Variant Classification Process June 2021. Collection method: clinical testing. Allele origin: germline. Affected: yes.
Comment: Not observed at significant frequency in large population cohorts (gnomAD); In silico analysis supports that this missense variant has a deleterious effect on protein structure/function; This variant is associated with the following publications: (PMID: 34828384, 40225168)

Dept of Medicine and Surgery, University of Milano-Bicocca
Classification: Pathogenic for Hemochromatosis, Type 4. Last evaluated: 2012-05-14. Review status: no assertion criteria provided. Collection method: clinical testing. Allele origin: germline. Affected: yes. Observed: 1 variant allele. Not counted in ClinVar's aggregate classification.

NM_014585.6(SLC40A1):c.1481G>A (p.Gly494Asp)

Gene: SLC40A1 (solute carrier family 40 member 1; minus strand). Cytogenetic location: 2q32.2.
Variant type: single nucleotide variant.
Coding change: c.1481G>A on transcript NM_014585.6 (MANE Select); coding-DNA position 1481, G replaced by A.
Protein change: p.Gly494Asp; replaces glycine 494 with aspartic acid.
Molecular consequence: missense variant.
Genome position (GRCh38, 1-based): chr2:189,562,113, C>T on the plus strand (G>A on the coding strand, the complement: SLC40A1 is on the minus strand). VCF-style: chr2-189562113-C-T. GRCh37 (hg19) VCF-style: chr2-190426839-C-T.
Other names: short protein forms G494D.
Identifiers: ClinVar variation 488153 (VCV000488153.3), dbSNP rs1553492997, ClinGen allele CA349986919.